The following is an entry in ClinVar:

NM_002878.4(RAD51D):c.933T>G (p.Ile311Met)

Genes: RAD51D (RAD51 paralog D; minus strand), RAD51L3-RFFL (RAD51L3-RFFL readthrough; minus strand). Cytogenetic location: 17q12.
Variant type: single nucleotide variant.
Coding change: c.933T>G on transcript NM_002878.4 (MANE Select); coding-DNA position 933, T replaced by G.
Protein change: p.Ile311Met; replaces isoleucine 311 with methionine.
Molecular consequence: missense variant. On other transcripts: non-coding transcript variant (2).
Genome position (GRCh38, 1-based): chr17:35,101,007, A>C on the plus strand (T>G on the coding strand, the complement: RAD51D is on the minus strand). VCF-style: chr17-35101007-A-C. GRCh37 (hg19) VCF-style: chr17-33428026-A-C.
Other names: c.993T>G, p.Ile331Met (NM_001142571.2); c.597T>G, p.Ile199Met (NM_133629.3); short protein forms I311M, I199M, I331M.
Identifiers: ClinVar variation 322623 (VCV000322623.11), dbSNP rs886052817, ClinGen allele CA10649026.

ClinVar aggregate classification (germline): Uncertain significance. Review status: criteria provided, multiple submitters, no conflicts (2 of 4 stars). 4 submissions from 4 submitters: Uncertain significance (4). Last evaluated 2023-04-23.

Conditions:
Hereditary cancer-predisposing syndrome. Also called: Neoplastic Syndromes, Hereditary; Tumor predisposition; Hereditary neoplastic syndrome; Hereditary Cancer Syndrome. Identifiers: Orphanet 140162, MedGen C0027672, MeSH D009386, MONDO:0015356.
Breast-ovarian cancer, familial, susceptibility to, 4. Identifiers: Orphanet 145, MedGen C3280345, MONDO:0013669, OMIM 614291.

Submissions (4):

Labcorp Genetics (formerly Invitae), Labcorp
Classification: Uncertain significance for Breast-ovarian cancer, familial, susceptibility to, 4. Last evaluated: 2023-04-23. Review status: criteria provided, single submitter. Criteria: Invitae Variant Classification Sherloc (09022015). Collection method: clinical testing. Allele origin: germline.
Comment: In summary, the available evidence is currently insufficient to determine the role of this variant in disease. Therefore, it has been classified as a Variant of Uncertain Significance. Advanced modeling of protein sequence and biophysical properties (such as structural, functional, and spatial information, amino acid conservation, physicochemical variation, residue mobility, and thermodynamic stability) performed at Invitae indicates that this missense variant is not expected to disrupt RAD51D protein function. ClinVar contains an entry for this variant (Variation ID: 322623). This variant has not been reported in the literature in individuals affected with RAD51D-related conditions. This variant is not present in population databases (gnomAD no frequency). This sequence change replaces isoleucine, which is neutral and non-polar, with methionine, which is neutral and non-polar, at codon 311 of the RAD51D protein (p.Ile311Met).

Color Diagnostics, LLC DBA Color Health
Classification: Uncertain significance for Hereditary cancer-predisposing syndrome. Last evaluated: 2022-11-01. Review status: criteria provided, single submitter. Criteria: ACMG Guidelines, 2015. Collection method: clinical testing. Allele origin: germline.
Comment: This missense variant replaces isoleucine with methionine at codon 311 of the RAD51D protein. Computational prediction suggests that this variant may not impact protein structure and function (internally defined REVEL score threshold <= 0.5, PMID: 27666373). To our knowledge, functional studies have not been reported for this variant. This variant has not been reported in individuals affected with hereditary cancer in the literature. This variant has not been identified in the general population by the Genome Aggregation Database (gnomAD). The available evidence is insufficient to determine the role of this variant in disease conclusively. Therefore, this variant is classified as a Variant of Uncertain Significance.

Ambry Genetics
Classification: Uncertain significance for Hereditary cancer-predisposing syndrome. Last evaluated: 2021-02-23. Review status: criteria provided, single submitter. Criteria: Ambry Variant Classification Scheme 2023. Collection method: clinical testing. Allele origin: germline.
Comment: The p.I311M variant (also known as c.933T>G), located in coding exon 10 of the RAD51D gene, results from a T to G substitution at nucleotide position 933. The isoleucine at codon 311 is replaced by methionine, an amino acid with highly similar properties. This alteration has been reported in 1/1197 individuals from Greece, Romania, and Turkey undergoing evaluation for inherited cancer predisposition (Tsaousis GN et al. BMC Cancer, 2019 Jun;19:535). This amino acid position is well conserved in available vertebrate species. In addition, this alteration is predicted to be tolerated by in silico analysis. Since supporting evidence is limited at this time, the clinical significance of this alteration remains unclear.

GeneKor MSA
Classification: Uncertain significance for Hereditary cancer-predisposing syndrome. Last evaluated: 2018-08-01. Review status: criteria provided, single submitter. Criteria: ACMG Guidelines, 2015. Collection method: clinical testing. Allele origin: germline. Affected: yes.

Literature cited by the submitters: PubMed 31159747 (cited by Ambry Genetics).